The following is an entry in ClinVar:

ClinVar aggregate classification (germline): Uncertain significance (1 of 4 stars; one submission).

Conditions:
Familial cancer of breast. Also called: Hereditary breast cancer; BREAST CANCER, FAMILIAL; hereditary breast carcinoma. Identifiers: Orphanet 227535, MedGen C0346153, MONDO:0016419, OMIM 114480. Disease mechanism: loss of function.

Submission:

Labcorp Genetics (formerly Invitae), Labcorp
Classification: Uncertain significance for Familial cancer of breast. Last evaluated: 2024-03-04. Review status: criteria provided, single submitter. Criteria: Invitae Variant Classification Sherloc (09022015). Collection method: clinical testing. Allele origin: germline.
Comment: This sequence change replaces proline, which is neutral and non-polar, with threonine, which is neutral and polar, at codon 812 of the PALB2 protein (p.Pro812Thr). This variant is not present in population databases (gnomAD no frequency). This variant has not been reported in the literature in individuals affected with PALB2-related conditions. Advanced modeling of protein sequence and biophysical properties (such as structural, functional, and spatial information, amino acid conservation, physicochemical variation, residue mobility, and thermodynamic stability) performed at Invitae indicates that this missense variant is expected to disrupt PALB2 protein function with a positive predictive value of 80%. In summary, the available evidence is currently insufficient to determine the role of this variant in disease. Therefore, it has been classified as a Variant of Uncertain Significance.

NM_024675.4(PALB2):c.2434C>A (p.Pro812Thr)

Gene: PALB2 (partner and localizer of BRCA2; minus strand). Cytogenetic location: 16p12.2.
Variant type: single nucleotide variant.
Coding change: c.2434C>A on transcript NM_024675.4 (MANE Select); coding-DNA position 2434, C replaced by A.
Protein change: p.Pro812Thr; replaces proline 812 with threonine.
Molecular consequence: missense variant. On other transcripts: intron variant (1).
Genome position (GRCh38, 1-based): chr16:23,629,720, G>T on the plus strand (C>A on the coding strand, the complement: PALB2 is on the minus strand). VCF-style: chr16-23629720-G-T. GRCh37 (hg19) VCF-style: chr16-23641041-G-T.
Other names: c.2374C>A, p.Pro792Thr (NM_001407296.1); c.2434C>A, p.Pro812Thr (NM_001407297.1, NM_001407298.1, NM_001407299.1 and 3 more transcripts); c.1549C>A, p.Pro517Thr (NM_001407304.1, NM_001407305.1, NM_001407306.1 and 5 more transcripts); c.646C>A, p.Pro216Thr (NM_001407312.1, NM_001407313.1); c.49-445C>A (NM_001407314.1); short protein forms P792T, P812T, P517T, P216T.
Identifiers: ClinVar variation 2783488 (VCV002783488.3), dbSNP rs1060502751, ClinGen allele CA395124270.